The following is an entry in ClinVar:

NM_022772.4(EPS8L2):c.984+4G>A

Gene: EPS8L2 (EPS8 signaling adaptor L2; plus strand). Cytogenetic location: 11p15.5.
Variant type: single nucleotide variant.
Coding change: c.984+4G>A on transcript NM_022772.4 (MANE Select); 4 bases into the intron after coding-DNA position 984, G replaced by A.
Molecular consequence: intron variant.
Genome position (GRCh38, 1-based): chr11:721,995, G>A. VCF-style: chr11-721995-G-A. GRCh37 (hg19) VCF-style: chr11-721995-G-A.
Identifiers: ClinVar variation 3036948 (VCV003036948.2), dbSNP rs986787445, ClinGen allele CA216940103.

ClinVar aggregate classification (germline): Likely benign (0 of 4 stars; one submission).

Conditions:
EPS8L2-related disorder. Also called: EPS8L2-related condition.

Allele frequency attached by ClinVar (database versions not stated): gnomAD exomes below 0.00001; gnomAD 0.00002; TOPMed 0.00003.
gnomAD v4.1: 8 of 1,605,964 alleles (0.0005%); highest among the groups gnomAD compares: African/African-American, 0.0054%; no homozygotes.

Submission:

PreventionGenetics, part of Exact Sciences
Classification: Likely benign for EPS8L2-related condition. Last evaluated: 2020-06-05. Review status: no assertion criteria provided. Collection method: clinical testing. Allele origin: germline.
Comment: This variant is classified as likely benign based on ACMG/AMP sequence variant interpretation guidelines (Richards et al. 2015 PMID: 25741868, with internal and published modifications).